The following is an entry in ClinVar:

NM_054012.4(ASS1):c.1069C>T (p.Gln357Ter)

Gene: ASS1 (argininosuccinate synthase 1; plus strand). Cytogenetic location: 9q34.11.
Variant type: single nucleotide variant.
Coding change: c.1069C>T on transcript NM_054012.4 (MANE Select); coding-DNA position 1069, C replaced by T.
Protein change: p.Gln357Ter; replaces glutamine 357 with a stop codon.
Molecular consequence: nonsense.
Genome position (GRCh38, 1-based): chr9:130,494,965, C>T. VCF-style: chr9-130494965-C-T. GRCh37 (hg19) VCF-style: chr9-133370352-C-T.
Other names: c.1069C>T, p.Gln357Ter (NM_000050.4); short protein forms Q357*.
Identifiers: ClinVar variation 528373 (VCV000528373.23), dbSNP rs756859126, ClinGen allele CA5283626.

ClinVar aggregate classification (germline): Pathogenic/Likely pathogenic. Review status: criteria provided, multiple submitters, no conflicts (2 of 4 stars). 6 submissions from 6 submitters: Pathogenic (3); Likely pathogenic (2). 1 of the submissions does not count toward it. Last evaluated 2025-01-23.

Conditions:
Citrullinemia type I (CTNL1). Also called: argininosuccinate synthetase deficiency; ASS DEFICIENCY. Identifiers: Orphanet 247525, MedGen C4721769, MONDO:0008988, OMIM 215700.
Citrullinemia. Identifiers: Orphanet 187, MedGen C0175683, MONDO:0015991.

Allele frequency attached by ClinVar (database versions not stated): gnomAD exomes below 0.00001; ExAC 0.00001; gnomAD 0.00003; TOPMed 0.00003.
gnomAD v4.1: 5 of 1,613,504 alleles (0.00031%); highest among the groups gnomAD compares: African/African-American, 0.0067%; no homozygotes.

Submissions (6):

Labcorp Genetics (formerly Invitae), Labcorp
Classification: Pathogenic for Citrullinemia. Last evaluated: 2025-01-23. Review status: criteria provided, single submitter. Criteria: Invitae Variant Classification Sherloc (09022015). Collection method: clinical testing. Allele origin: germline.
Comment: This sequence change creates a premature translational stop signal (p.Gln357*) in the ASS1 gene. It is expected to result in an absent or disrupted protein product. Loss-of-function variants in ASS1 are known to be pathogenic (PMID: 18473344, 19006241). This variant is present in population databases (rs756859126, gnomAD 0.007%). This premature translational stop signal has been observed in individual(s) with classical neonatal form of citrullinemia (PMID: 24889030). ClinVar contains an entry for this variant (Variation ID: 528373). For these reasons, this variant has been classified as Pathogenic.

Natera, Inc.
Classification: Likely pathogenic for Citrullinemia type I. Last evaluated: 2024-05-09. Review status: criteria provided, single submitter. Criteria: Natera Variant Classification Schema (03/2026). Collection method: clinical testing. Allele origin: germline.
Comment: The c.1069C>T variant in ASS1 is a nonsense variant predicted to introduce a stop codon at amino acid 357. This variant is expected to result in nonsense mediated decay, truncation, or a dysfunctional protein product. This variant is rare in the general population with a frequency below the threshold expected for the associated phenotype(s). Given the available evidence, this variant is classified as Likely Pathogenic.

Women's Health and Genetics/Laboratory Corporation of America, LabCorp
Classification: Pathogenic for Citrullinemia. Last evaluated: 2023-05-23. Review status: criteria provided, single submitter. Criteria: LabCorp Variant Classification Summary - May 2015. Collection method: clinical testing. Allele origin: germline.
Comment: Variant summary: ASS1 c.1069C>T (p.Gln357X) results in a premature termination codon, predicted to cause a truncation of the encoded protein or absence of the protein due to nonsense mediated decay, which are commonly known mechanisms for disease. The variant allele was found at a frequency of 4e-06 in 250856 control chromosomes (gnomAD). c.1069C>T has been reported in the literature as a familial variant of a fetus at risk however this fetus did not appear to inherit the variant (Miller_2014). This report does not provide unequivocal conclusions about association of the variant with Citrullinemia Type I. To our knowledge, no experimental evidence demonstrating an impact on protein function has been reported. The following publication has been ascertained in the context of this evaluation (PMID: 24889030). Four clinical diagnostic laboratories have submitted clinical-significance assessments for this variant to ClinVar after 2014 and classified the variant as pathogenic/likely pathogenic. Based on the evidence outlined above, the variant was classified as pathogenic.

Fulgent Genetics
Classification: Pathogenic for Citrullinemia type I. Last evaluated: 2018-10-31. Review status: criteria provided, single submitter. Criteria: ACMG Guidelines, 2015. Collection method: clinical testing. Allele origin: unknown.

ARUP Laboratories, Molecular Genetics and Genomics, ARUP Laboratories
Classification: Likely pathogenic. Last evaluated: 2017-07-30. Review status: criteria provided, single submitter. Criteria: ARUP Molecular Germline Variant Investigation Process. Collection method: clinical testing. Allele origin: germline.
Comment: The c.1069C>T variant (rs756859126) has been previously reported in an unaffected carrier included in a study of pregnancies at risk for citrullinemia; however, the tested fetus was found not to carry any pathogenic variant and did not have biochemical findings consistent with citrullinemia (Miller 2014). Nonetheless, the c.1069C>T variant introduces an early termination codon into exon 14 (out of 16) in the ASS1 gene and is expected to result in a truncated or absent protein product. Consistent with a heterozygous carrier frequency, this variant is listed in the Genome Aggregation Database (gnomAD) browser with an overall frequency of 0.0004% (identified in 1 out of 245,770 chromosomes). Taken together, this variant is considered likely pathogenic.

Counsyl
Classification: Likely pathogenic for Citrullinemia type I. Last evaluated: 2018-05-03. Review status: no assertion criteria provided. Collection method: clinical testing. Allele origin: unknown. Not counted in ClinVar's aggregate classification.

Literature cited by the submitters: PubMed 18473344 (cited by Labcorp Genetics (formerly Invitae), Labcorp); PubMed 19006241 (cited by Labcorp Genetics (formerly Invitae), Labcorp); PubMed 24889030 (cited by 3 submitters).